The following is an entry in ClinVar:

ClinVar aggregate classification (germline): Pathogenic. Review status: reviewed by expert panel (3 of 4 stars). 17 submissions from 17 submitters: Pathogenic (1). 16 of the submissions do not count toward it. Last evaluated 2026-07-20.

Conditions:
CEP290-related ciliopathy. Also called: CEP290 ciliopathy. Identifiers: MedGen CN305601, MONDO:0100451.
Leber congenital amaurosis (LCA). Also called: Leber's amaurosis. Identifiers: Orphanet 65, MedGen C0339527, MeSH D057130, MONDO:0018998.
Joubert syndrome. Also called: JOUBERT-BOLTSHAUSER SYNDROME; Familial aplasia of the vermis. Identifiers: Orphanet 475, MedGen C5979921, MONDO:0018772.
Meckel-Gruber syndrome. Also called: DYSENCEPHALIA SPLANCHNOCYSTICA; GRUBER SYNDROME; Dysencephalia splachnocystica. Identifiers: Orphanet 564, MedGen C0265215, MONDO:0018921.
Nephronophthisis. Also called: Juvenile Nephronophthisis. Identifiers: Orphanet 655, MedGen C0687120, MONDO:0019005, HP:0000090.
CEP290-related disorder. Also called: CEP290-related disorders; CEP290-related condition. Identifiers: MedGen CN239314.
Senior-Loken syndrome 6 (SLSN6). Identifiers: Orphanet 3156, MedGen C1857779, MONDO:0012433, OMIM 610189.
Meckel syndrome, type 4 (MKS4). Also called: MECKEL-GRUBER SYNDROME, TYPE 4. Identifiers: Orphanet 564, MedGen C1970161, MONDO:0012626, OMIM 611134.
Leber congenital amaurosis 10 (LCA10). Identifiers: Orphanet 65, MedGen C1857821, MONDO:0012723, OMIM 611755.
Joubert syndrome 5 (JBTS5). Identifiers: Orphanet 2318, MedGen C1857780, MONDO:0012432, OMIM 610188.
Bardet-Biedl syndrome 14 (BBS14). Identifiers: Orphanet 110, MedGen C2673874, MONDO:0014442, OMIM 615991.
Inborn genetic diseases. Identifiers: MedGen C0950123, MeSH D030342.

Submissions 1 to 10 of 17:

ClinGen Leber Congenital Amaurosis/early Onset Retinal Dystrophy Variant Curation Expert Panel, ClinGen
Classification: Pathogenic for CEP290-related ciliopathy. Last evaluated: 2026-07-20. Review status: reviewed by expert panel. Criteria: ClinGen LCAeoRD ACMG Specifications CEP290 V1.0.0. Collection method: curation. Allele origin: germline. Inheritance: Autosomal recessive inheritance.
Comment: NM_025114.4(CEP290):c.164_167del (p.Thr55SerfsTer3) is a frameshift variant that introduces a premature stop codon into exon 3 of 54 and is predicted to lead to nonsense-mediated decay in a gene in which loss-of-function is an established mechanism of disease (PVS1). This variant is present in gnomAD v.4.1.1 at a total allele frequency of 0.000023, with 20 alleles / 1,588,116 total alleles, which is lower than the ClinGen LCA/eoRD VCEP PM2_Supporting threshold of <0.0006 (PM2_Supporting). The variant has been reported to segregate with childhood-onset severe retinal dystrophy through the proband plus 1 similarly affected relative, with the variant present in the compound heterozygous state (PP1; PMID: 32865313). In summary, this variant meets the criteria to be classified as Pathogenic for CEP290-related ciliopathy based on the ACMG/AMP criteria applied, as specified by the ClinGen LCA/eoRD VCEP: PVS1, PM2_Supporting, and PP1. (LCA/eoRD VCEP Specifications for CEP290 Version 1.0.0)

Otogenetics
Classification: Pathogenic for Joubert syndrome 5; Leber congenital amaurosis 10; Senior-Loken syndrome 6; Meckel syndrome, type 4; Bardet-Biedl syndrome 14. Last evaluated: 2026-02-23. Review status: criteria provided, single submitter. Criteria: ACMG Guidelines, 2015. Collection method: clinical testing. Allele origin: germline. Not counted in ClinVar's aggregate classification.
Comment: PVS1: Frameshift indel introduces premature stop codon in gene with loss of function as mechanism of disease, predicted to undergo NMD; PM2: Maximum gnomAD MAF of 0.0071% in African (AFR) subpopulation (<0.164% threshold); PM3_Strong: Variant reported in homozygous state in one affected individual and in trans with three pathogenic variants in three individuals affected with retinal dystrophies or Bardet-Biedl syndrome (PMID: 26092869, 31816670, 32865313, 37510321)

Labcorp Genetics (formerly Invitae), Labcorp
Classification: Pathogenic for Joubert syndrome; Meckel-Gruber syndrome; Nephronophthisis. Last evaluated: 2026-01-20. Review status: criteria provided, single submitter. Criteria: Invitae Variant Classification Sherloc (09022015). Collection method: clinical testing. Allele origin: germline. Not counted in ClinVar's aggregate classification.
Comment: This sequence change creates a premature translational stop signal (p.Thr55Serfs*3) in the CEP290 gene. It is expected to result in an absent or disrupted protein product. Loss-of-function variants in CEP290 are known to be pathogenic (PMID: 16909394, 17345604, 20690115). This variant is present in population databases (rs758550675, gnomAD 0.006%). This premature translational stop signal has been observed in individual(s) with Joubert syndrome (PMID: 17617513, 26092869). ClinVar contains an entry for this variant (Variation ID: 217624). Algorithms developed to predict the effect of sequence changes on RNA splicing suggest that this variant may disrupt the consensus splice site. For these reasons, this variant has been classified as Pathogenic.

PreventionGenetics, part of Exact Sciences
Classification: Pathogenic for CEP290-related condition. Last evaluated: 2025-11-07. Review status: criteria provided, single submitter. Criteria: ACMG Guidelines, 2015. Collection method: clinical testing. Allele origin: germline. Not counted in ClinVar's aggregate classification.
Comment: The CEP290 c.164_167delCTCA variant is predicted to result in a frameshift and premature protein termination (p.Thr55Serfs*3). This variant has been reported in patients with Joubert syndrome and related ciliopathies (Helou et al. 2007. PubMed ID: 17617513; Bachmann-Gagescu et al. 2015. PubMed ID: 26092869; Areblom et al. 2023. PubMed ID: 37510321; Table S1, Petzold et al. 2023. PubMed ID: 37230223). This variant is reported in 0.0071% of alleles in individuals of African descent in gnomAD. Loss-of-function variants in CEP290 have been documented as disease causing (Sayer et al. 2006. PubMed ID: 16682973). This variant is interpreted as pathogenic.

Myriad Genetics, Inc.
Classification: Pathogenic for CEP290-related ciliopathy. Last evaluated: 2025-05-08. Review status: criteria provided, single submitter. Criteria: Myriad Autosomal Dominant, Autosomal Recessive and X-Linked Classification Criteria (2023). Collection method: clinical testing. Allele origin: unknown. Not counted in ClinVar's aggregate classification.
Comment: NM_025114.3(CEP290):c.164_167delCTCA(T55Sfs*3) is a frameshift variant classified as pathogenic in the context of CEP290-related disorders. T55Sfs*3 has been observed in cases with relevant disease (PMID: 26092869, 32865313). Relevant functional assessments of this variant are not available in the literature. T55Sfs*3 has been observed in referenced population frequency databases. In summary, NM_025114.3(CEP290):c.164_167delCTCA(T55Sfs*3) is a frameshift variant in a gene where loss of function is a known mechanism of disease, is predicted to disrupt protein function, and has been observed more frequently in cases with the relevant disease than in healthy populations. Please note: this variant was assessed in the context of healthy population screening.

GeneDx
Classification: Pathogenic. Last evaluated: 2025-01-21. Review status: criteria provided, single submitter. Criteria: GeneDx Variant Classification Process June 2021. Collection method: clinical testing. Allele origin: germline. Affected: yes. Not counted in ClinVar's aggregate classification.
Comment: Frameshift variant predicted to result in protein truncation or nonsense mediated decay in a gene for which loss of function is a known mechanism of disease; Not observed at significant frequency in large population cohorts (gnomAD); This variant is associated with the following publications: (PMID: 31964843, 36729443, 34426522, 33726816, 37510321, 17617513, 36990420, 26092869, 32865313, 31816670)

Natera, Inc.
Classification: Pathogenic for Leber congenital amaurosis. Last evaluated: 2024-11-23. Review status: criteria provided, single submitter. Criteria: Natera Variant Classification Schema (03/2026). Collection method: clinical testing. Allele origin: germline. Not counted in ClinVar's aggregate classification.
Comment: The c.164_167delCTCA variant in CEP290 is a frameshift variant predicted to shift the reading frame beginning at codon 55 and leads to a stop codon 3 codons downstream. This variant is expected to result in nonsense mediated decay, truncation, or a dysfunctional protein product. This variant is rare in the general population with a frequency below the threshold expected for the associated phenotype(s). This variant has been observed in one or more individuals affected with the associated recessive disease, as either homozygous or compound heterozygous with a second variant (PMID: 31816670). Given the available evidence, this variant is classified as Pathogenic.

Blueprint Genetics
Classification: Pathogenic for CEP290-related disorders. Last evaluated: 2024-11-21. Review status: criteria provided, single submitter. Criteria: ACMG Guidelines, 2015. Collection method: clinical testing. Allele origin: germline. Affected: yes. Observed: 3 variant alleles. Not counted in ClinVar's aggregate classification.

Clinical Genetics and Genomics, Karolinska University Hospital
Classification: Pathogenic for Meckel syndrome, type 4. Last evaluated: 2024-09-10. Review status: criteria provided, single submitter. Criteria: ACMG Guidelines, 2015. Collection method: clinical testing. Allele origin: germline. Affected: yes. Not counted in ClinVar's aggregate classification.

CeGaT Center for Human Genetics Tuebingen
Classification: Pathogenic. Last evaluated: 2024-09-01. Review status: criteria provided, single submitter. Criteria: CeGaT Center For Human Genetics Tuebingen Variant Classification Criteria Version 2. Collection method: clinical testing. Allele origin: germline. Affected: yes. Observed: 1 variant allele. Not counted in ClinVar's aggregate classification.
Comment: CEP290: PVS1, PM3:Strong, PM2

NM_025114.4(CEP290):c.164_167del (p.Thr55fs)

Gene: CEP290 (centrosomal protein 290; minus strand). Cytogenetic location: 12q21.32.
Variant type: Deletion.
Coding change: c.164_167del on transcript NM_025114.4 (MANE Select); coding-DNA positions 164 to 167, 4 bases deleted (CTCA; older notation c.164_167delCTCA).
Protein change: p.Thr55fs; shifts the reading frame from threonine 55.
Molecular consequence: frameshift variant.
Genome position (GRCh38, 1-based): chr12:88,140,969-88,140,972, TGAG deleted on the plus strand (CTCA on the coding strand, the reverse complement: CEP290 is on the minus strand); deleting any 4 consecutive bases within chr12:88,140,969-88,140,973 gives the same sequence; the c. name uses the placement nearest the transcript's 3' end. VCF-style (leftmost placement, unchanged base first): chr12-88140968-CTGAG-C. GRCh37 (hg19) VCF-style: chr12-88534745-CTGAG-C.
Other names: NM_025114.4(CEP290):c.164_167del; p.Thr55fs; c.164_167delCTCA (NM_025114.3, NM_025114.4); short protein forms T55fs.
Identifiers: ClinVar variation 217624 (VCV000217624.41), dbSNP rs758550675, ClinGen allele CA277730.